The following is an entry in ClinVar:

ClinVar aggregate classification (germline): Likely pathogenic (1 of 4 stars; one submission).

Conditions:
Spondylocarpotarsal synostosis syndrome (SCT). Also called: SPONDYLOCARPOTARSAL SYNDROME; Spondylocarpotarsal Synostosis Syndrome (FLNB-SCT); VERTEBRAL FUSION WITH CARPAL COALITION; Synspondylism congenital; Scoliosis, congenital with unilateral unsegmented bar. Identifiers: Orphanet 3275, MedGen C1848934, MONDO:0010094, OMIM 272460.

Submission:

Dr. med. U. Finckh, Human Genetics, Eurofins MVZ
Classification: Likely pathogenic for Spondylocarpotarsal synostosis syndrome. Review status: criteria provided, single submitter. Criteria: ACMG Guidelines, 2015. Collection method: clinical testing. Allele origin: biparental. Affected: yes.

NM_001457.4(FLNB):c.219_222dup (p.Met75fs)

Gene: FLNB (filamin B; plus strand). Cytogenetic location: 3p14.3.
Variant type: Duplication.
Coding change: c.219_222dup on transcript NM_001457.4 (MANE Select); coding-DNA positions 219 to 222, 4 bases duplicated (CCAG; older notation c.219_222dupCCAG).
Protein change: p.Met75fs; shifts the reading frame from methionine 75.
Molecular consequence: frameshift variant.
Genome position (GRCh38, 1-based): chr3:58,008,783-58,008,786, CCAG duplicated; duplicating any 4 consecutive bases within chr3:58,008,782-58,008,786 gives the same sequence; the c. name uses the placement nearest the transcript's 3' end. VCF-style (leftmost placement, unchanged base first): chr3-58008781-C-CGCCA. GRCh37 (hg19) VCF-style: chr3-57994508-C-CGCCA.
Other names: c.219_222dup, p.Met75fs (NM_001164317.2, NM_001164318.2, NM_001164319.2); short protein forms M75fs.
Identifiers: ClinVar variation 2505550 (VCV002505550.1), dbSNP rs2477194940, ClinGen allele CA2580616490.